The following is an entry in ClinVar:

NM_000214.3(JAG1):c.1775G>A (p.Arg592Gln)

Gene: JAG1 (jagged canonical Notch ligand 1; minus strand). Cytogenetic location: 20p12.2.
Variant type: single nucleotide variant.
Coding change: c.1775G>A on transcript NM_000214.3 (MANE Select); coding-DNA position 1775, G replaced by A.
Protein change: p.Arg592Gln; replaces arginine 592 with glutamine.
Molecular consequence: missense variant.
Genome position (GRCh38, 1-based): chr20:10,647,049, C>T on the plus strand (G>A on the coding strand, the complement: JAG1 is on the minus strand). VCF-style: chr20-10647049-C-T. GRCh37 (hg19) VCF-style: chr20-10627697-C-T.
Other names: c.1775G>A (NM_000214.2); short protein forms R592Q.
Identifiers: ClinVar variation 1352301 (VCV001352301.8), dbSNP rs1436726865, ClinGen allele CA408236175.

ClinVar aggregate classification (germline): Conflicting classifications of pathogenicity. Review status: criteria provided, conflicting classifications (1 of 4 stars). 3 submissions from 3 submitters: Uncertain significance (2); Likely benign (1). Last evaluated 2025-02-06.

Conditions:
JAG1-related disorder. Also called: JAG1-related disorders; JAG1-related condition.
Cardiovascular phenotype. Identifiers: MedGen CN230736.
Alagille syndrome due to a JAG1 point mutation. Also called: Alagille Syndrome 1; HEPATIC DUCTULAR HYPOPLASIA, SYNDROMATIC; JAG1-Related Alagille Syndrome. Identifiers: Orphanet 261619, Orphanet 52, MedGen C1956125, MONDO:0016862, OMIM 118450.

Allele frequency attached by ClinVar (database versions not stated): gnomAD exomes below 0.00001; gnomAD 0.00001.
gnomAD v4.1: 8 of 1,614,034 alleles (0.0005%); highest among the groups gnomAD compares: East Asian, 0.0022%; no homozygotes.

Submissions (3):

PreventionGenetics, part of Exact Sciences
Classification: Uncertain significance for JAG1-related condition. Last evaluated: 2025-02-06. Review status: criteria provided, single submitter. Criteria: ACMG Guidelines, 2015. Collection method: clinical testing. Allele origin: germline.
Comment: The JAG1 c.1775G>A variant is predicted to result in the amino acid substitution p.Arg592Gln. To our knowledge, this variant has not been reported in the literature. This variant is reported in 0.0046% of alleles in individuals of European (Finnish) descent in gnomAD. At this time, the clinical significance of this variant is uncertain due to the absence of conclusive functional and genetic evidence.

Ambry Genetics
Classification: Uncertain significance for Cardiovascular phenotype. Last evaluated: 2024-12-07. Review status: criteria provided, single submitter. Criteria: Ambry Variant Classification Scheme 2023. Collection method: clinical testing. Allele origin: germline.
Comment: The p.R592Q variant (also known as c.1775G>A), located in coding exon 14 of the JAG1 gene, results from a G to A substitution at nucleotide position 1775. The arginine at codon 592 is replaced by glutamine, an amino acid with highly similar properties. This amino acid position is conserved. In addition, this alteration is predicted to be deleterious by in silico analysis. Based on the available evidence, the clinical significance of this variant remains unclear.

Labcorp Genetics (formerly Invitae), Labcorp
Classification: Likely benign for Alagille syndrome due to a JAG1 point mutation. Last evaluated: 2022-09-09. Review status: criteria provided, single submitter. Criteria: Invitae Variant Classification Sherloc (09022015). Collection method: clinical testing. Allele origin: germline.